The following is an entry in ClinVar:

ClinVar aggregate classification (germline): Uncertain significance. Review status: criteria provided, multiple submitters, no conflicts (2 of 4 stars). 3 submissions from 3 submitters: Uncertain significance (3). Last evaluated 2024-05-08.

Conditions:
Cardiomyopathy (CMYO). Also called: Cardiomyopathies. Identifiers: Orphanet 167848, MedGen C0878544, MONDO:0004994, HP:0001638. Inheritance: Various modes of inheritance.
Hypertrophic cardiomyopathy. Also called: HYPERTROPHIC MYOCARDIOPATHY. Identifiers: Orphanet 217569, MedGen C0007194, MeSH D002312, MONDO:0005045, HP:0001639.

Allele frequency attached by ClinVar (database versions not stated): gnomAD 0.00001; TOPMed 0.00001.

Submissions (3):

Labcorp Genetics (formerly Invitae), Labcorp
Classification: Uncertain significance for Hypertrophic cardiomyopathy. Last evaluated: 2024-05-08. Review status: criteria provided, single submitter. Criteria: Invitae Variant Classification Sherloc (09022015). Collection method: clinical testing. Allele origin: germline.
Comment: This sequence change replaces glutamic acid, which is acidic and polar, with aspartic acid, which is acidic and polar, at codon 49 of the MYL3 protein (p.Glu49Asp). This variant is not present in population databases (gnomAD no frequency). This variant has not been reported in the literature in individuals affected with MYL3-related conditions. ClinVar contains an entry for this variant (Variation ID: 659460). Algorithms developed to predict the effect of missense changes on protein structure and function output the following: SIFT: "Not Available"; PolyPhen-2: "Benign"; Align-GVGD: "Not Available". The aspartic acid amino acid residue is found in multiple mammalian species, which suggests that this missense change does not adversely affect protein function. In summary, the available evidence is currently insufficient to determine the role of this variant in disease. Therefore, it has been classified as a Variant of Uncertain Significance.

All of Us Research Program, National Institutes of Health
Classification: Uncertain significance for Hypertrophic cardiomyopathy. Last evaluated: 2023-03-23. Review status: criteria provided, single submitter. Criteria: ACMG Guidelines, 2015. Collection method: clinical testing. Allele origin: germline. Inheritance: Autosomal dominant inheritance. Observed: 1 variant allele, 1 heterozygote.
Comment: This missense variant replaces glutamic acid with aspartic acid at codon 49 of the MYL3 protein. Computational prediction suggests that this variant may not impact protein structure and function (internally defined REVEL score threshold <= 0.5, PMID: 27666373). To our knowledge, functional studies have not been reported for this variant. This variant has been reported in an individual affected with hypertrophic cardiomyopathy (PMID: 24865491). This variant has not been identified in the general population by the Genome Aggregation Database (gnomAD). The available evidence is insufficient to determine the role of this variant in disease conclusively. Therefore, this variant is classified as a Variant of Uncertain Significance.

This study involves interpretation of variants in research participants for the purpose of population health screening. Participant phenotype was not available at the time of variant classification. Additional details can be found in publication PMID: 35346344, PMCID: PMC8962531

Color Diagnostics, LLC DBA Color Health
Classification: Uncertain significance for Cardiomyopathy. Last evaluated: 2023-02-23. Review status: criteria provided, single submitter. Criteria: ACMG Guidelines, 2015. Collection method: clinical testing. Allele origin: germline.
Comment: This missense variant replaces glutamic acid with aspartic acid at codon 49 of the MYL3 protein. Computational prediction suggests that this variant may not impact protein structure and function (internally defined REVEL score threshold <= 0.5, PMID: 27666373). To our knowledge, functional studies have not been reported for this variant. This variant has been reported in an individual affected with hypertrophic cardiomyopathy (PMID: 24865491). This variant has not been identified in the general population by the Genome Aggregation Database (gnomAD). The available evidence is insufficient to determine the role of this variant in disease conclusively. Therefore, this variant is classified as a Variant of Uncertain Significance.

Literature cited by the submitters: PubMed 24865491 (cited by All of Us Research Program, National Institutes of Health and Color Diagnostics, LLC DBA Color Health).

NM_000258.3(MYL3):c.147G>T (p.Glu49Asp)

Gene: MYL3 (myosin light chain 3; minus strand). Cytogenetic location: 3p21.31.
Variant type: single nucleotide variant.
Coding change: c.147G>T on transcript NM_000258.3 (MANE Select); coding-DNA position 147, G replaced by T.
Protein change: p.Glu49Asp; replaces glutamic acid 49 with aspartic acid.
Molecular consequence: missense variant.
Genome position (GRCh38, 1-based): chr3:46,860,970, C>A on the plus strand (G>T on the coding strand, the complement: MYL3 is on the minus strand). VCF-style: chr3-46860970-C-A. GRCh37 (hg19) VCF-style: chr3-46902460-C-A.
Other names: short protein forms E49D.
Identifiers: ClinVar variation 659460 (VCV000659460.13), dbSNP rs1004231349, ClinGen allele CA73779714.